The following is an entry in ClinVar:

NM_004218.4(RAB11B):c.229A>G (p.Thr77Ala)

Gene: RAB11B (RAB11B, member RAS oncogene family; plus strand). Cytogenetic location: 19p13.2.
Variant type: single nucleotide variant.
Coding change: c.229A>G on transcript NM_004218.4 (MANE Select); coding-DNA position 229, A replaced by G.
Protein change: p.Thr77Ala; replaces threonine 77 with alanine.
Molecular consequence: missense variant.
Genome position (GRCh38, 1-based): chr19:8,400,051, A>G. VCF-style: chr19-8400051-A-G. GRCh37 (hg19) VCF-style: chr19-8464935-A-G.
Other names: short protein forms T77A.
Identifiers: ClinVar variation 3365831 (VCV003365831.2).

ClinVar aggregate classification (germline): Uncertain significance (1 of 4 stars; one submission).

Submission:

GeneDx
Classification: Uncertain significance. Last evaluated: 2025-10-14. Review status: criteria provided, single submitter. Criteria: GeneDx Variant Classification Process June 2021. Collection method: clinical testing. Allele origin: germline.
Comment: Not observed at significant frequency in large population cohorts (gnomAD); In silico analysis supports that this missense variant has a deleterious effect on protein structure/function; Has not been previously published as pathogenic or benign to our knowledge